The following is an entry in ClinVar:

ClinVar aggregate classification (germline): Uncertain significance. Review status: criteria provided, multiple submitters, no conflicts (2 of 4 stars). 2 submissions from 2 submitters: Uncertain significance (2). Last evaluated 2023-04-27.

Conditions:
Inborn genetic diseases. Identifiers: MedGen C0950123, MeSH D030342.

Allele frequency attached by ClinVar (database versions not stated): ExAC 0.00001; gnomAD 0.00001; TOPMed 0.00002; gnomAD exomes 0.00001.
gnomAD v4.1: 18 of 1,613,892 alleles (0.0011%); highest among the groups gnomAD compares: Middle Eastern, 0.016%; no homozygotes.

Submissions (2):

Ambry Genetics
Classification: Uncertain significance for Inborn genetic diseases. Last evaluated: 2023-04-27. Review status: criteria provided, single submitter. Criteria: Ambry Variant Classification Scheme 2023. Collection method: clinical testing. Allele origin: germline.

Labcorp Genetics (formerly Invitae), Labcorp
Classification: Uncertain significance. Last evaluated: 2022-02-08. Review status: criteria provided, single submitter. Criteria: Invitae Variant Classification Sherloc (09022015). Collection method: clinical testing. Allele origin: germline.
Comment: This sequence change replaces asparagine, which is neutral and polar, with aspartic acid, which is acidic and polar, at codon 1906 of the PCDH15 protein (p.Asn1906Asp). This variant is present in population databases (rs768260331, gnomAD 0.003%). This variant has not been reported in the literature in individuals affected with PCDH15-related conditions. Algorithms developed to predict the effect of missense changes on protein structure and function are either unavailable or do not agree on the potential impact of this missense change (SIFT: "Tolerated"; PolyPhen-2: "Not Available"; Align-GVGD: "Class C0"). In summary, the available evidence is currently insufficient to determine the role of this variant in disease. Therefore, it has been classified as a Variant of Uncertain Significance.

NM_033056.4(PCDH15):c.5716A>G (p.Asn1906Asp)

Gene: PCDH15 (protocadherin related 15; minus strand). Cytogenetic location: 10q21.1.
Variant type: single nucleotide variant.
Coding change: c.5716A>G on transcript NM_033056.4 (MANE Plus Clinical); coding-DNA position 5716, A replaced by G.
Protein change: p.Asn1906Asp; replaces asparagine 1906 with aspartic acid.
Molecular consequence: missense variant. On other transcripts: intron variant (8).
Genome position (GRCh38, 1-based): chr10:53,822,010, T>C on the plus strand (A>G on the coding strand, the complement: PCDH15 is on the minus strand). VCF-style: chr10-53822010-T-C. GRCh37 (hg19) VCF-style: chr10-55581770-T-C.
Other names: c.5737A>G, p.Asn1913Asp (NM_001142763.2); c.5722A>G, p.Asn1908Asp (NM_001142764.2); c.5509A>G, p.Asn1837Asp (NM_001142765.2); c.5707A>G, p.Asn1903Asp (NM_001142766.2); c.5596A>G, p.Asn1866Asp (NM_001142767.2); c.5656A>G, p.Asn1886Asp (NM_001142768.2); c.5647A>G, p.Asn1883Asp (NM_001142773.2); c.5650A>G, p.Asn1884Asp (NM_001354404.2); and 7 more; short protein forms N1837D, N1866D, N1884D, N1903D, N1906D, N1908D, N1883D, N1886D.
Identifiers: ClinVar variation 2200428 (VCV002200428.3), dbSNP rs768260331, ClinGen allele CA5504978.